The following is an entry in ClinVar:

NM_001127222.2(CACNA1A):c.785-3T>C

Gene: CACNA1A (calcium voltage-gated channel subunit alpha1 A; minus strand). Cytogenetic location: 19p13.13.
Variant type: single nucleotide variant.
Coding change: c.785-3T>C on transcript NM_001127222.2 (MANE Select); 3 bases into the intron before coding-DNA position 785, T replaced by C.
Molecular consequence: intron variant.
Genome position (GRCh38, 1-based): chr19:13,359,802, A>G on the plus strand (T>C on the coding strand, the complement: CACNA1A is on the minus strand). VCF-style: chr19-13359802-A-G. GRCh37 (hg19) VCF-style: chr19-13470616-A-G.
Other names: c.785-3T>C (NM_001127221.2, NM_001174080.2, NM_000068.4 and 1 more transcripts).
Identifiers: ClinVar variation 1512402 (VCV001512402.6), dbSNP rs2145245902, ClinGen allele CA2573156133.

ClinVar aggregate classification (germline): Uncertain significance (1 of 4 stars; one submission).

Conditions:
Episodic ataxia type 2 (EA2). Also called: ATAXIA, EPISODIC, WITH NYSTAGMUS; ATAXIA, FAMILIAL PAROXYSMAL; CEREBELLAR ATAXIA, PAROXYSMAL, ACETAZOLAMIDE-RESPONSIVE; CEREBELLOPATHY, HEREDITARY PAROXYSMAL; ACETAZOLAMIDE-RESPONSIVE HEREDITARY PAROXYSMAL CEREBELLAR ATAXIA; EPISODIC ATAXIA, NYSTAGMUS-ASSOCIATED. Identifiers: Orphanet 97, MedGen C1720416, MONDO:0007163, OMIM 108500.
Developmental and epileptic encephalopathy, 42 (DEE42A). Also called: DEVELOPMENTAL AND EPILEPTIC ENCEPHALOPATHY 42A; EPILEPTIC ENCEPHALOPATHY, EARLY INFANTILE, 42A; Epileptic encephalopathy, early infantile, 42. Identifiers: MedGen C4310716, MONDO:0014917, OMIM 617106.

Allele frequency attached by ClinVar (database versions not stated): gnomAD exomes below 0.00001.
gnomAD v4.1: 1 of 1,503,250 alleles (0.000067%); highest among the groups gnomAD compares: Non-Finnish European, 0.000089%; no homozygotes.

Submission:

Labcorp Genetics (formerly Invitae), Labcorp
Classification: Uncertain significance for Developmental and epileptic encephalopathy, 42; Episodic ataxia type 2. Last evaluated: 2023-08-10. Review status: criteria provided, single submitter. Criteria: Invitae Variant Classification Sherloc (09022015). Collection method: clinical testing. Allele origin: germline.
Comment: ClinVar contains an entry for this variant (Variation ID: 1512402). This variant has not been reported in the literature in individuals affected with CACNA1A-related conditions. This variant is not present in population databases (gnomAD no frequency). This sequence change falls in intron 5 of the CACNA1A gene. It does not directly change the encoded amino acid sequence of the CACNA1A protein. It affects a nucleotide within the consensus splice site. In summary, the available evidence is currently insufficient to determine the role of this variant in disease. Therefore, it has been classified as a Variant of Uncertain Significance. Variants that disrupt the consensus splice site are a relatively common cause of aberrant splicing (PMID: 17576681, 9536098). Algorithms developed to predict the effect of sequence changes on RNA splicing suggest that this variant is not likely to affect RNA splicing.

Literature cited by the submitters: PubMed 17576681; PubMed 9536098.